The following is an entry in ClinVar:

ClinVar aggregate classification (germline): Uncertain significance (1 of 4 stars; one submission).

Conditions:
Hypertrophic cardiomyopathy 26. Also called: Cardiomyopathy, familial hypertrophic, 26. Identifiers: Orphanet 75249, MedGen C4310749, MONDO:0014883, OMIM 617047.
Myofibrillar myopathy 5. Also called: Filaminopathy (type); FILAMINOPATHY, AUTOSOMAL DOMINANT. Identifiers: Orphanet 171445, MedGen C1836050, MONDO:0012289, OMIM 609524.
Distal myopathy with posterior leg and anterior hand involvement. Also called: WILLIAMS DISTAL MYOPATHY. Identifiers: Orphanet 63273, MedGen C3279722, MONDO:0013550, OMIM 614065.

Submission:

Labcorp Genetics (formerly Invitae), Labcorp
Classification: Uncertain significance for Distal myopathy with posterior leg and anterior hand involvement; Myofibrillar myopathy 5; Hypertrophic cardiomyopathy 26. Last evaluated: 2023-05-17. Review status: criteria provided, single submitter. Criteria: Invitae Variant Classification Sherloc (09022015). Collection method: clinical testing. Allele origin: germline.
Comment: This variant has not been reported in the literature in individuals affected with FLNC-related conditions. This variant is not present in population databases (gnomAD no frequency). This sequence change replaces proline, which is neutral and non-polar, with alanine, which is neutral and non-polar, at codon 1295 of the FLNC protein (p.Pro1295Ala). Advanced modeling of protein sequence and biophysical properties (such as structural, functional, and spatial information, amino acid conservation, physicochemical variation, residue mobility, and thermodynamic stability) has been performed at Invitae for this missense variant, however the output from this modeling did not meet the statistical confidence thresholds required to predict the impact of this variant on FLNC protein function. In summary, the available evidence is currently insufficient to determine the role of this variant in disease. Therefore, it has been classified as a Variant of Uncertain Significance.

NM_001458.5(FLNC):c.3883C>G (p.Pro1295Ala)

Gene: FLNC (filamin C; plus strand). Cytogenetic location: 7q32.1.
Variant type: single nucleotide variant.
Coding change: c.3883C>G on transcript NM_001458.5 (MANE Select); coding-DNA position 3883, C replaced by G.
Protein change: p.Pro1295Ala; replaces proline 1295 with alanine.
Molecular consequence: missense variant.
Genome position (GRCh38, 1-based): chr7:128,846,082, C>G. VCF-style: chr7-128846082-C-G. GRCh37 (hg19) VCF-style: chr7-128486136-C-G.
Other names: c.3883C>G, p.Pro1295Ala (NM_001127487.2); short protein forms P1295A.
Identifiers: ClinVar variation 2947870 (VCV002947870.3), dbSNP rs2536640977, ClinGen allele CA369198657.